The following is an entry in ClinVar:

NM_006208.3(ENPP1):c.614C>A (p.Ala205Glu)

Gene: ENPP1 (ectonucleotide pyrophosphatase/phosphodiesterase 1; plus strand). Cytogenetic location: 6q23.2.
Variant type: single nucleotide variant.
Coding change: c.614C>A on transcript NM_006208.3 (MANE Select); coding-DNA position 614, C replaced by A.
Protein change: p.Ala205Glu; replaces alanine 205 with glutamic acid.
Molecular consequence: missense variant.
Genome position (GRCh38, 1-based): chr6:131,852,232, C>A. VCF-style: chr6-131852232-C-A. GRCh37 (hg19) VCF-style: chr6-132173372-C-A.
Other names: short protein forms A205E.
Identifiers: ClinVar variation 905829 (VCV000905829.15), dbSNP rs145868241, ClinGen allele CA4001955.
Genomic context (GRCh38, chr6:131,852,232, plus strand): 5'-TAGGTGAGAAAAGTTGGGTAGAAGAACCATGTGAGAGCATTAATGAGCCACAGTGCCCAG[C>A]AGGGTAAGATTATATTCTGAGGTATTAATTTTTTCTTTTTTAGAAGTACAGCATCATTTT-3'
Protein context (NP_006199.2, residues 195-215): CESINEPQCP[Ala205Glu]GFETPPTLLF

ClinVar aggregate classification (germline): Conflicting classifications of pathogenicity. Review status: criteria provided, conflicting classifications (1 of 4 stars). 6 submissions from 5 submitters: Uncertain significance (5); Likely benign (1). Last evaluated 2026-08-11.

Conditions:
Inherited obesity. Also called: Monogenic Obesity. Identifiers: Orphanet 77828, MedGen C4054476, MONDO:0019182, OMIM 601665.
Arterial calcification, generalized, of infancy, 1 (GACI1). Also called: Idiopathic Infantile Arterial Calcification. Identifiers: Orphanet 51608, MedGen C4551985, MONDO:0008817, OMIM 208000.
Hypopigmentation-punctate palmoplantar keratoderma syndrome. Also called: GUTTATE HYPOPIGMENTATION AND PUNCTATE PALMOPLANTAR KERATODERMA WITH OR WITHOUT ECTOPIC CALCIFICATION; Cole disease. Identifiers: Orphanet 324561, MedGen C3809781, MONDO:0014227, OMIM 615522.
Type 2 diabetes mellitus. Also called: Type II diabetes mellitus. Identifiers: MedGen C0011860, MeSH D003924, MONDO:0005148, OMIM 125853, HP:0005978.
Hypophosphatemic rickets, autosomal recessive, 2 (ARHR2). Identifiers: Orphanet 289176, MedGen C2750078, MONDO:0013219, OMIM 613312.
Inborn genetic diseases. Identifiers: MedGen C0950123, MeSH D030342.

Allele frequency attached by ClinVar (database versions not stated): gnomAD exomes 0.00014 and 0.00018; ESP Exome Variant Server 0.00015; gnomAD 0.00017; TOPMed 0.00010; ExAC 0.00015.
gnomAD v4.1: 222 of 1,596,754 alleles (0.014%); highest among the groups gnomAD compares: Middle Eastern, 0.017%; no homozygotes.

Submissions (6):

Ambry Genetics
Classification: Likely benign for Inborn genetic diseases. Last evaluated: 2026-08-11. Review status: criteria provided, single submitter. Criteria: Ambry Variant Classification Scheme 2023. Collection method: clinical testing. Allele origin: germline.

Labcorp Genetics (formerly Invitae), Labcorp
Classification: Uncertain significance. Last evaluated: 2026-01-12. Review status: criteria provided, single submitter. Criteria: Invitae Variant Classification Sherloc (09022015). Collection method: clinical testing. Allele origin: germline.
Comment: This sequence change replaces alanine, which is neutral and non-polar, with glutamic acid, which is acidic and polar, at codon 205 of the ENPP1 protein (p.Ala205Glu). This variant is present in population databases (rs145868241, gnomAD 0.06%). This variant has not been reported in the literature in individuals affected with ENPP1-related conditions. ClinVar contains an entry for this variant (Variation ID: 905829). Invitae Evidence Modeling of protein sequence and biophysical properties (such as structural, functional, and spatial information, amino acid conservation, physicochemical variation, residue mobility, and thermodynamic stability) indicates that this missense variant is not expected to disrupt ENPP1 protein function with a negative predictive value of 80%. In summary, the available evidence is currently insufficient to determine the role of this variant in disease. Therefore, it has been classified as a Variant of Uncertain Significance.

Fulgent Genetics
Classification: Uncertain significance for Type 2 diabetes mellitus; Arterial calcification, generalized, of infancy, 1; Inherited obesity; Hypophosphatemic rickets, autosomal recessive, 2; Hypopigmentation-punctate palmoplantar keratoderma syndrome. Last evaluated: 2024-05-03. Review status: criteria provided, single submitter. Criteria: ACMG Guidelines, 2015. Collection method: clinical testing. Allele origin: germline.

Department of Pathology and Laboratory Medicine, Sinai Health System
Classification: Uncertain significance for Type 2 diabetes mellitus; Arterial calcification, generalized, of infancy, 1; Inherited obesity; Hypophosphatemic rickets, autosomal recessive, 2; Hypopigmentation-punctate palmoplantar keratoderma syndrome. Last evaluated: 2020-07-29. Review status: criteria provided, single submitter. Criteria: ACMG Guidelines, 2015. Collection method: research. Allele origin: germline.

Illumina Laboratory Services, Illumina
Classification: Uncertain significance for Hypophosphatemic rickets, autosomal recessive, 2. Last evaluated: 2018-01-13. Review status: criteria provided, single submitter. Criteria: ICSL Variant Classification Criteria 13 December 2019. Collection method: clinical testing. Allele origin: germline.

Illumina Laboratory Services, Illumina
Classification: Uncertain significance for Arterial calcification, generalized, of infancy, 1. Last evaluated: 2018-01-13. Review status: criteria provided, single submitter. Criteria: ICSL Variant Classification Criteria 13 December 2019. Collection method: clinical testing. Allele origin: germline.